The following is an entry in ClinVar:

ClinVar aggregate classification (germline): Benign/Likely benign. Review status: criteria provided, multiple submitters, no conflicts (2 of 4 stars). 5 submissions from 5 submitters: Benign (2); Likely benign (2). 1 of the submissions does not count toward it. Last evaluated 2025-09-24.

Conditions:
DBH-related disorder. Also called: DBH-related condition.
Orthostatic hypotension 1 (ORTHYP1). Also called: NORADRENALINE DEFICIENCY; NOREPINEPHRINE DEFICIENCY; Orthostatic hypotension 1, due to DBH deficiency; Dopamine beta-hydroxylase deficiency. Identifiers: Orphanet 230, MedGen C4746777, MONDO:0009123, OMIM 223360.

Allele frequency attached by ClinVar (database versions not stated): gnomAD exomes 0.00025 and 0.00061; ExAC 0.00078; gnomAD 0.00210 and 0.00217; TOPMed 0.00220; ESP Exome Variant Server 0.00223; 1000 Genomes Project 30x 0.00250; 1000 Genomes Project 0.00280.
gnomAD v4.1: 719 of 1,614,024 alleles (0.045%); highest among the groups gnomAD compares: African/African-American, 0.67%; 6 homozygotes.

Submissions (5):

Labcorp Genetics (formerly Invitae), Labcorp
Classification: Benign for Orthostatic hypotension 1. Last evaluated: 2025-09-24. Review status: criteria provided, single submitter. Criteria: Invitae Variant Classification Sherloc (09022015). Collection method: clinical testing. Allele origin: germline.

CeGaT Center for Human Genetics Tuebingen
Classification: Likely benign. Last evaluated: 2024-07-01. Review status: criteria provided, single submitter. Criteria: CeGaT Center For Human Genetics Tuebingen Variant Classification Criteria Version 2. Collection method: clinical testing. Allele origin: germline. Affected: yes. Observed: 1 variant allele.
Comment: DBH: BP4, BS2

Blueprint Genetics
Classification: Likely benign. Last evaluated: 2024-06-26. Review status: criteria provided, single submitter. Criteria: ACMG Guidelines, 2015. Collection method: clinical testing. Allele origin: germline.

Breakthrough Genomics
Classification: Benign. Review status: criteria provided, single submitter. Criteria: ACMG Guidelines, 2015. Collection method: not provided. Allele origin: germline. Inheritance: Autosomal recessive inheritance. Affected: yes.

PreventionGenetics, part of Exact Sciences
Classification: Likely benign for DBH-related condition. Last evaluated: 2024-08-11. Review status: no assertion criteria provided. Collection method: clinical testing. Allele origin: germline. Not counted in ClinVar's aggregate classification.
Comment: This variant is classified as likely benign based on ACMG/AMP sequence variant interpretation guidelines (Richards et al. 2015 PMID: 25741868, with internal and published modifications).

NM_000787.4(DBH):c.933C>T (p.Tyr311=)

Gene: DBH (dopamine beta-hydroxylase; plus strand). Cytogenetic location: 9q34.2.
Variant type: single nucleotide variant.
Coding change: c.933C>T on transcript NM_000787.4 (MANE Select); coding-DNA position 933, C replaced by T.
Protein change: p.Tyr311=; no amino-acid change (tyrosine 311 retained).
Molecular consequence: synonymous variant.
Genome position (GRCh38, 1-based): chr9:133,644,229, C>T. VCF-style: chr9-133644229-C-T. GRCh37 (hg19) VCF-style: chr9-136509351-C-T.
Identifiers: ClinVar variation 791731 (VCV000791731.29), dbSNP rs3025400, ClinGen allele CA5313248.